The following is an entry in ClinVar:

NM_144670.6(A2ML1):c.3695A>G (p.Tyr1232Cys)

Gene: A2ML1 (alpha-2-macroglobulin like 1; plus strand). Cytogenetic location: 12p13.31.
Variant type: single nucleotide variant.
Coding change: c.3695A>G on transcript NM_144670.6 (MANE Select); coding-DNA position 3695, A replaced by G.
Protein change: p.Tyr1232Cys; replaces tyrosine 1232 with cysteine.
Molecular consequence: missense variant.
Genome position (GRCh38, 1-based): chr12:8,863,986, A>G. VCF-style: chr12-8863986-A-G. GRCh37 (hg19) VCF-style: chr12-9016582-A-G.
Other names: c.3695A>G (NM_144670.3); c.2222A>G, p.Tyr741Cys (NM_001282424.3); short protein forms Y1232C, Y741C.
Identifiers: ClinVar variation 2127011 (VCV002127011.5), dbSNP rs2539298822, ClinGen allele CA383843546.

ClinVar aggregate classification (germline): Uncertain significance. Review status: criteria provided, multiple submitters, no conflicts (2 of 4 stars). 2 submissions from 2 submitters: Uncertain significance (2). Last evaluated 2025-11-15.

Allele frequency attached by ClinVar (database versions not stated): gnomAD exomes below 0.00001.
gnomAD v4.1: 1 of 1,612,476 alleles (0.000062%); highest among the groups gnomAD compares: South Asian, 0.0011%; no homozygotes.

Submissions (2):

Ambry Genetics
Classification: Uncertain significance. Last evaluated: 2025-11-15. Review status: criteria provided, single submitter. Criteria: Ambry Variant Classification Scheme 2023. Collection method: clinical testing. Allele origin: germline.
Comment: The p.Y1232C variant (also known as c.3695A>G), located in coding exon 29 of the A2ML1 gene, results from an A to G substitution at nucleotide position 3695. The tyrosine at codon 1232 is replaced by cysteine, an amino acid with highly dissimilar properties. This amino acid position is conserved. In addition, this alteration is predicted to be tolerated by in silico analysis. Based on the available evidence, the clinical significance of this variant remains unclear.

Labcorp Genetics (formerly Invitae), Labcorp
Classification: Uncertain significance. Last evaluated: 2022-04-16. Review status: criteria provided, single submitter. Criteria: Invitae Variant Classification Sherloc (09022015). Collection method: clinical testing. Allele origin: germline.
Comment: In summary, the available evidence is currently insufficient to determine the role of this variant in disease. Therefore, it has been classified as a Variant of Uncertain Significance. Algorithms developed to predict the effect of missense changes on protein structure and function are either unavailable or do not agree on the potential impact of this missense change (SIFT: "Tolerated"; PolyPhen-2: "Probably Damaging"; Align-GVGD: "Class C0"). This variant has not been reported in the literature in individuals affected with A2ML1-related conditions. This variant is not present in population databases (gnomAD no frequency). This sequence change replaces tyrosine, which is neutral and polar, with cysteine, which is neutral and slightly polar, at codon 1232 of the A2ML1 protein (p.Tyr1232Cys).